The following is an entry in ClinVar:

NM_001378615.1(CC2D2A):c.1946C>T (p.Thr649Met)

Genes: CC2D2A (coiled-coil and C2 domain containing 2A; plus strand), FBXL5 (F-box and leucine rich repeat protein 5; minus strand). Cytogenetic location: 4p15.32.
Variant type: single nucleotide variant.
Coding change: c.1946C>T on transcript NM_001378615.1 (MANE Select); coding-DNA position 1946, C replaced by T.
Protein change: p.Thr649Met; replaces threonine 649 with methionine.
Molecular consequence: missense variant.
Genome position (GRCh38, 1-based): chr4:15,538,080, C>T. VCF-style: chr4-15538080-C-T. GRCh37 (hg19) VCF-style: chr4-15539703-C-T.
Other names: p.Thr649Met; c.1946C>T, p.Thr649Met (NM_001080522.2); c.1799C>T, p.Thr600Met (NM_001378617.1); short protein forms T649M, T600M.
Identifiers: ClinVar variation 497958 (VCV000497958.23), dbSNP rs201884883, ClinGen allele CA2863798.
Genomic context (GRCh38, chr4:15,538,080, plus strand): 5'-TGATAGAGCAGGAGGTGAGGGAGAGAGCAGCCCAGAGCAGGAGGAGGCCTTGGGAGCCCA[C>T]GCTGGTCCCGGAGCTAAGCCTGGCAGGAAGCGTAACACCCAATGACCAGTGCCCCAGGTG-3'
Protein context (NP_001365544.1, residues 639-659): AQSRRRPWEP[Thr649Met]LVPELSLAGS

ClinVar aggregate classification (germline): Conflicting classifications of pathogenicity. Review status: criteria provided, conflicting classifications (1 of 4 stars). 8 submissions from 7 submitters: Uncertain significance (6); Likely benign (2). Last evaluated 2026-06-03.

Conditions:
Meckel-Gruber syndrome. Also called: Dysencephalia splachnocystica; DYSENCEPHALIA SPLANCHNOCYSTICA; GRUBER SYNDROME. Identifiers: Orphanet 564, MedGen C0265215, MONDO:0018921.
Joubert syndrome. Also called: JOUBERT-BOLTSHAUSER SYNDROME; Familial aplasia of the vermis. Identifiers: Orphanet 475, MedGen C5979921, MONDO:0018772.
COACH syndrome 1. Identifiers: Orphanet 1454, MedGen C5435651, MONDO:0800103, OMIM 216360, MONDO:0008996.
Joubert syndrome 9 (JBTS9). Identifiers: Orphanet 2318, MedGen C2676788, MONDO:0012849, OMIM 612285.
Meckel syndrome, type 6. Identifiers: Orphanet 564, MedGen C2676790, MONDO:0012848, OMIM 612284.
CC2D2A-related disorder. Also called: CC2D2A-related condition; CC2D2A-related disorders. Identifiers: MedGen CN239313.

Allele frequency attached by ClinVar (database versions not stated): TOPMed 0.00014; 1000 Genomes Project 30x 0.00016; 1000 Genomes Project 0.00020.
gnomAD v4.1: 200 of 1,605,808 alleles (0.012%); highest among the groups gnomAD compares: Admixed American, 0.076%; 1 homozygote.

Submissions (8):

PreventionGenetics, part of Exact Sciences
Classification: Uncertain significance for CC2D2A-related condition. Last evaluated: 2026-06-03. Review status: criteria provided, single submitter. Criteria: ACMG Guidelines, 2015. Collection method: clinical testing. Allele origin: germline.
Comment: The CC2D2A c.1946C>T variant is predicted to result in the amino acid substitution p.Thr649Met. To our knowledge, this variant has not been reported in the literature. This variant is reported in 0.050% of alleles in individuals of Latino descent in gnomAD, which may be too common to be an unreported primary cause of disease. Though we suspect this variant may be benign, the clinical significance of this variant is uncertain due to the absence of conclusive functional and genetic evidence.

Labcorp Genetics (formerly Invitae), Labcorp
Classification: Likely benign for Joubert syndrome; Meckel-Gruber syndrome. Last evaluated: 2026-02-02. Review status: criteria provided, single submitter. Criteria: Invitae Variant Classification Sherloc (09022015). Collection method: clinical testing. Allele origin: germline.

Blueprint Genetics
Classification: Likely benign. Last evaluated: 2024-09-17. Review status: criteria provided, single submitter. Criteria: ACMG Guidelines, 2015. Collection method: clinical testing. Allele origin: germline.

Mayo Clinic Laboratories, Mayo Clinic
Classification: Uncertain significance. Last evaluated: 2023-03-16. Review status: criteria provided, single submitter. Criteria: ACMG Guidelines, 2015. Collection method: clinical testing. Allele origin: germline. Observed: 1 variant allele.
Comment: BP4, PM2

Fulgent Genetics
Classification: Uncertain significance for COACH syndrome 1; Meckel syndrome, type 6; Joubert syndrome 9. Last evaluated: 2018-10-31. Review status: criteria provided, single submitter. Criteria: ACMG Guidelines, 2015. Collection method: clinical testing. Allele origin: unknown.

Eurofins Ntd Llc (ga)
Classification: Uncertain significance. Last evaluated: 2018-05-17. Review status: criteria provided, single submitter. Criteria: EGL ClinVar v180209 classification definitions. Collection method: clinical testing. Allele origin: germline. Observed: 4 variant alleles, 4 heterozygotes.

Illumina Laboratory Services, Illumina
Classification: Uncertain significance for Meckel syndrome, type 6. Last evaluated: 2018-01-13. Review status: criteria provided, single submitter. Criteria: ICSL Variant Classification Criteria 13 December 2019. Collection method: clinical testing. Allele origin: germline.

Illumina Laboratory Services, Illumina
Classification: Uncertain significance for Joubert syndrome 9. Last evaluated: 2018-01-13. Review status: criteria provided, single submitter. Criteria: ICSL Variant Classification Criteria 13 December 2019. Collection method: clinical testing. Allele origin: germline.